The following is an entry in ClinVar:

NM_007194.4(CHEK2):c.838C>T (p.Leu280=)

Gene: CHEK2 (checkpoint kinase 2; minus strand). Cytogenetic location: 22q12.1.
Variant type: single nucleotide variant.
Coding change: c.838C>T on transcript NM_007194.4 (MANE Select); coding-DNA position 838, C replaced by T.
Protein change: p.Leu280=; no amino-acid change (leucine 280 retained).
Molecular consequence: synonymous variant.
Genome position (GRCh38, 1-based): chr22:28,710,014, G>A on the plus strand (C>T on the coding strand, the complement: CHEK2 is on the minus strand). VCF-style: chr22-28710014-G-A. GRCh37 (hg19) VCF-style: chr22-29106002-G-A.
Other names: c.967C>T, p.Leu323= (NM_001005735.3); c.175C>T, p.Leu59= (NM_001257387.3); c.637C>T, p.Leu213= (NM_001349956.3); c.838C>T, p.Leu280= (NM_145862.3).
Identifiers: ClinVar variation 1664029 (VCV001664029.10), dbSNP rs2145932680, ClinGen allele CA513945124.

ClinVar aggregate classification (germline): Benign/Likely benign. Review status: criteria provided, multiple submitters, no conflicts (2 of 4 stars). 2 submissions from 2 submitters: Benign (1); Likely benign (1). Last evaluated 2024-10-03.

Conditions:
Familial cancer of breast. Also called: Hereditary breast cancer; BREAST CANCER, FAMILIAL; hereditary breast carcinoma. Identifiers: Orphanet 227535, MedGen C0346153, MONDO:0016419, OMIM 114480. Disease mechanism: loss of function.

Allele frequency attached by ClinVar (database versions not stated): gnomAD exomes below 0.00001.

Submissions (2):

Myriad Genetics, Inc.
Classification: Benign for Familial cancer of breast. Last evaluated: 2024-10-03. Review status: criteria provided, single submitter. Criteria: Myriad Autosomal Dominant, Autosomal Recessive and X-Linked Classification Criteria (2023). Collection method: clinical testing. Allele origin: unknown.
Comment: This variant is considered benign. This variant is a silent/synonymous amino acid change and it is not expected to impact splicing.

Labcorp Genetics (formerly Invitae), Labcorp
Classification: Likely benign for Familial cancer of breast. Last evaluated: 2024-08-28. Review status: criteria provided, single submitter. Criteria: Invitae Variant Classification Sherloc (09022015). Collection method: clinical testing. Allele origin: germline.